The following is an entry in ClinVar:

NM_000384.3(APOB):c.7409T>C (p.Leu2470Ser)

Gene: APOB (apolipoprotein B; minus strand). Cytogenetic location: 2p24.1.
Variant type: single nucleotide variant.
Coding change: c.7409T>C on transcript NM_000384.3 (MANE Select); coding-DNA position 7409, T replaced by C.
Protein change: p.Leu2470Ser; replaces leucine 2470 with serine.
Molecular consequence: missense variant.
Genome position (GRCh38, 1-based): chr2:21,009,459, A>G on the plus strand (T>C on the coding strand, the complement: APOB is on the minus strand). VCF-style: chr2-21009459-A-G. GRCh37 (hg19) VCF-style: chr2-21232331-A-G.
Other names: short protein forms L2470S.
Identifiers: ClinVar variation 1326636 (VCV001326636.6), dbSNP rs746574955, ClinGen allele CA064402.
Genomic context (GRCh38, chr2:21,009,459, plus strand): 5'-GTTATTTTGGTGTCCTGTAGGCTTTCCAGATACACTGCAACTGTGGCCTTGGTTTCCTCT[A>G]AAAACAGTTTTAATGCTTCAGCTTTTTGTGGTAGTTCCAGAGCCTGAATTTCACCATTGA-3'
Protein context (NP_000375.3, residues 2460-2480): PQKAEALKLF[Leu2470Ser]EETKATVAVY

ClinVar aggregate classification (germline): Conflicting classifications of pathogenicity. Review status: criteria provided, conflicting classifications (1 of 4 stars). 3 submissions from 3 submitters: Uncertain significance (2); Likely benign (1). Last evaluated 2026-07-02.

Conditions:
Cardiovascular phenotype. Identifiers: MedGen CN230736.
Hypercholesterolemia, autosomal dominant, type B (FHCL2). Also called: Familial Hypercholesterolemia Type B; Hyperlipoproteinemia Type IIb; APOLIPOPROTEIN B-100, FAMILIAL DEFECTIVE; APOLIPOPROTEIN B-100, FAMILIAL LIGAND-DEFECTIVE; HYPERCHOLESTEROLEMIA, FAMILIAL, DUE TO LIGAND-DEFECTIVE APOLIPOPROTEIN B; Familial hypercholesterolemia 2. Identifiers: MedGen C1704417, MONDO:0007751, OMIM 144010.
Familial hypobetalipoproteinemia 1. Also called: APOB-Related Familial Hypobetalipoproteinemia; Hypobetalipoproteinemia, normotriglyceridemic; Acanthocytosis with hypobetalipoproteinemia. Identifiers: MedGen C4551990, MONDO:0014252, OMIM 615558.

Allele frequency attached by ClinVar (database versions not stated): ExAC 0.00002; TOPMed 0.00002; gnomAD exomes 0.00001.
gnomAD v4.1: 5 of 1,614,012 alleles (0.00031%); highest among the groups gnomAD compares: Admixed American, 0.0083%; no homozygotes.

Submissions (3):

Ambry Genetics
Classification: Uncertain significance for Cardiovascular phenotype. Last evaluated: 2026-07-02. Review status: criteria provided, single submitter. Criteria: Ambry Variant Classification Scheme 2023. Collection method: clinical testing. Allele origin: germline.
Comment: The p.L2470S variant (also known as c.7409T>C), located in coding exon 26 of the APOB gene, results from a T to C substitution at nucleotide position 7409. The leucine at codon 2470 is replaced by serine, an amino acid with dissimilar properties. This amino acid position is conserved. In addition, this alteration is predicted to be tolerated by in silico analysis. Based on the available evidence, the clinical significance of this variant remains unclear.

Labcorp Genetics (formerly Invitae), Labcorp
Classification: Likely benign for Familial hypobetalipoproteinemia 1; Hypercholesterolemia, autosomal dominant, type B. Last evaluated: 2025-07-02. Review status: criteria provided, single submitter. Criteria: Invitae Variant Classification Sherloc (09022015). Collection method: clinical testing. Allele origin: germline.

GeneDx
Classification: Uncertain significance. Last evaluated: 2021-05-24. Review status: criteria provided, single submitter. Criteria: GeneDx Variant Classification Process June 2021. Collection method: clinical testing. Allele origin: germline. Affected: yes.
Comment: Has not been previously published as pathogenic or benign to our knowledge; Not observed at significant frequency in large population cohorts (Lek et al., 2016); In silico analysis supports that this missense variant does not alter protein structure/function